The following is an entry in ClinVar:

NM_001040108.2(MLH3):c.2146del (p.Ser716fs)

Gene: MLH3 (mutL homolog 3; minus strand). Cytogenetic location: 14q24.3.
Variant type: Deletion.
Coding change: c.2146del on transcript NM_001040108.2 (MANE Select); coding-DNA position 2146, one base deleted (T; older notation c.2146delT).
Protein change: p.Ser716fs; shifts the reading frame from serine 716.
Molecular consequence: frameshift variant.
Genome position (GRCh38, 1-based): chr14:75,047,510, A deleted on the plus strand (T on the coding strand, the reverse complement: MLH3 is on the minus strand). VCF-style (leftmost placement, unchanged base first): chr14-75047509-GA-G. GRCh37 (hg19) VCF-style: chr14-75514212-GA-G.
Other names: c.2146del, p.Ser716fs (NM_014381.3); short protein forms S716fs.
Identifiers: ClinVar variation 1786656 (VCV001786656.4), dbSNP rs1892331244, ClinGen allele CA2147317647.

ClinVar aggregate classification (germline): Pathogenic. Review status: criteria provided, multiple submitters, no conflicts (2 of 4 stars). 2 submissions from 2 submitters: Pathogenic (2). Last evaluated 2026-05-29.

Conditions:
Colorectal cancer, hereditary nonpolyposis, type 7. Identifiers: Orphanet 144, MedGen C1858380, MONDO:0013725, OMIM 614385.

Allele frequency attached by ClinVar (database versions not stated): gnomAD exomes 0.00001.

Submissions (2):

Ambry Genetics
Classification: Pathogenic. Last evaluated: 2026-05-29. Review status: criteria provided, single submitter. Criteria: Ambry Variant Classification Scheme 2023. Collection method: clinical testing. Allele origin: germline.
Comment: The c.2146delT pathogenic mutation, located in coding exon 1 of the MLH3 gene, results from a deletion of one nucleotide at nucleotide position 2146, causing a translational frameshift with a predicted alternate stop codon (p.S716Lfs*18). This variant is considered to be rare based on population cohorts in the Genome Aggregation Database (gnomAD). This variant is expected to result in loss of function by premature protein truncation or nonsense-mediated mRNA decay. As such, this variant is interpreted as a disease-causing mutation.

Myriad Genetics, Inc.
Classification: Pathogenic for Colorectal cancer, hereditary nonpolyposis, type 7. Last evaluated: 2026-01-21. Review status: criteria provided, single submitter. Criteria: Myriad Autosomal Dominant, Autosomal Recessive and X-Linked Classification Criteria (2023). Collection method: clinical testing. Allele origin: unknown.
Comment: This variant is considered pathogenic. This variant creates a frameshift predicted to result in premature protein truncation.